The following is an entry in ClinVar:

NM_000257.4(MYH7):c.4302C>T (p.Arg1434=)

Genes: MHRT (myosin heavy chain associated RNA transcript; plus strand), MYH7 (myosin heavy chain 7; minus strand). Cytogenetic location: 14q11.2.
Variant type: single nucleotide variant.
Coding change: c.4302C>T on transcript NM_000257.4 (MANE Select); coding-DNA position 4302, C replaced by T.
Protein change: p.Arg1434=; no amino-acid change (arginine 1434 retained).
Molecular consequence: synonymous variant. On other transcripts: non-coding transcript variant (1).
Genome position (GRCh38, 1-based): chr14:23,417,554, G>A on the plus strand (C>T on the coding strand, the complement: MYH7 is on the minus strand). VCF-style: chr14-23417554-G-A. GRCh37 (hg19) VCF-style: chr14-23886763-G-A.
Identifiers: ClinVar variation 921939 (VCV000921939.11), dbSNP rs900405502, ClinGen allele CA257813213.

ClinVar aggregate classification (germline): Likely benign. Review status: criteria provided, multiple submitters, no conflicts (2 of 4 stars). 3 submissions from 3 submitters: Likely benign (3). Last evaluated 2024-05-30.

Conditions:
Hypertrophic cardiomyopathy. Also called: HYPERTROPHIC MYOCARDIOPATHY. Identifiers: Orphanet 217569, MedGen C0007194, MeSH D002312, MONDO:0005045, HP:0001639.
Cardiomyopathy (CMYO). Also called: Cardiomyopathies. Identifiers: Orphanet 167848, MedGen C0878544, MONDO:0004994, HP:0001638. Inheritance: Various modes of inheritance.

Allele frequency attached by ClinVar (database versions not stated): gnomAD exomes below 0.00001.
gnomAD v4.1: 4 of 1,612,388 alleles (0.00025%); highest among the groups gnomAD compares: South Asian, 0.0011%; no homozygotes.

Submissions (3):

All of Us Research Program, National Institutes of Health
Classification: Likely benign for Cardiomyopathy. Last evaluated: 2024-05-30. Review status: criteria provided, single submitter. Criteria: ACMG Guidelines, 2015. Collection method: clinical testing. Allele origin: germline. Inheritance: Autosomal dominant inheritance. Observed: 2 variant alleles, 2 heterozygotes.
Comment: This study involves interpretation of variants in research participants for the purpose of population health screening. Participant phenotype was not available at the time of variant classification. Additional details can be found in publication PMID: 35346344, PMCID: PMC8962531

Labcorp Genetics (formerly Invitae), Labcorp
Classification: Likely benign for Hypertrophic cardiomyopathy. Last evaluated: 2023-08-24. Review status: criteria provided, single submitter. Criteria: Invitae Variant Classification Sherloc (09022015). Collection method: clinical testing. Allele origin: germline.

Color Diagnostics, LLC DBA Color Health
Classification: Likely benign for Cardiomyopathy. Last evaluated: 2019-05-14. Review status: criteria provided, single submitter. Criteria: ACMG Guidelines, 2015. Collection method: clinical testing. Allele origin: germline.